The following is an entry in ClinVar:

NM_000038.6(APC):c.136-284A>G

Gene: APC (APC regulator of WNT signaling pathway; plus strand). Cytogenetic location: 5q22.2.
Variant type: single nucleotide variant.
Coding change: c.136-284A>G on transcript NM_000038.6 (MANE Select); 284 bases into the intron before coding-DNA position 136, A replaced by G.
Molecular consequence: intron variant.
Genome position (GRCh38, 1-based): chr5:112,766,042, A>G. VCF-style: chr5-112766042-A-G. GRCh37 (hg19) VCF-style: chr5-112101739-A-G.
Other names: c.136-284A>G (NM_001354895.2, NM_001127510.3, NM_001354896.2 and 2 more transcripts); c.166-284A>G (NM_001354897.2, NM_001354902.2, NM_001127511.3); c.61-284A>G (NM_001354898.2, NM_001354904.2); c.-900-284A>G (NM_001354906.2); c.-42-284A>G (NM_001354900.2, NM_001354901.2, NM_001354905.2).
Identifiers: ClinVar variation 82395 (VCV000082395.2), dbSNP rs77335832, ClinGen allele CA004655.

ClinVar aggregate classification (germline): other (0 of 4 stars; one submission).

Conditions:
Familial colorectal cancer. Identifiers: MedGen CN280943, MONDO:0023113. Disease mechanism: loss of function.

Submission:

Systems Biology Platform Zhejiang California International NanoSystems Institute
Classification: other for Familial colorectal cancer. Review status: no assertion criteria provided. Collection method: not provided. Allele origin: unknown.
ClinVar note: Converted during submission from cancer to other.